The following is an entry in ClinVar:

ClinVar aggregate classification (germline): Conflicting classifications of pathogenicity. Review status: criteria provided, conflicting classifications (1 of 4 stars). 2 submissions from 2 submitters: Uncertain significance (1); Likely benign (1). Last evaluated 2025-11-01.

Conditions:
Developmental delay, hypotonia, musculoskeletal defects, and behavioral abnormalities. Identifiers: MedGen C5562012, MONDO:0859202, OMIM 619595.
Floating-Harbor syndrome (FLHS). Also called: SRCAP-Related Floating-Harbor Syndrome; Short stature with delayed bone age, expressive language delay, a triangular face with a prominent nose and deep-set eyes; Pelletier-Leisti syndrome. Identifiers: Orphanet 2044, MedGen C0729582, MONDO:0007621, OMIM 136140.

gnomAD v4.1: 4 of 1,614,160 alleles (0.00025%); highest among the groups gnomAD compares: Non-Finnish European, 0.00034%; no homozygotes.

Submissions (2):

CeGaT Center for Human Genetics Tuebingen
Classification: Likely benign. Last evaluated: 2025-11-01. Review status: criteria provided, single submitter. Criteria: CeGaT Center For Human Genetics Tuebingen Variant Classification Criteria Version 2. Collection method: clinical testing. Allele origin: germline. Affected: yes. Observed: 1 variant allele.
Comment: SRCAP: BP4

Fulgent Genetics
Classification: Uncertain significance for Floating-Harbor syndrome; Developmental delay, hypotonia, musculoskeletal defects, and behavioral abnormalities. Last evaluated: 2024-05-22. Review status: criteria provided, single submitter. Criteria: ACMG Guidelines, 2015. Collection method: clinical testing. Allele origin: germline.

NM_006662.3(SRCAP):c.5836C>T (p.Pro1946Ser)

Gene: SRCAP (Snf2 related CREBBP activator protein; plus strand). Cytogenetic location: 16p11.2.
Variant type: single nucleotide variant.
Coding change: c.5836C>T on transcript NM_006662.3 (MANE Select); coding-DNA position 5836, C replaced by T.
Protein change: p.Pro1946Ser; replaces proline 1946 with serine.
Molecular consequence: missense variant.
Genome position (GRCh38, 1-based): chr16:30,729,143, C>T. VCF-style: chr16-30729143-C-T. GRCh37 (hg19) VCF-style: chr16-30740464-C-T.
Other names: short protein forms P1946S.
Identifiers: ClinVar variation 3580171 (VCV003580171.7).
Genomic context (GRCh38, chr16:30,729,143, plus strand): 5'-TGTACCCTGCCCCAACCTGTTGCCAGCCCCATCGGCCCTCGTTCTCCTGGCCCCAGCCAC[C>T]CCACCTTTTGGACTTATACCGAGGCTGCCCACCGGGCTGTACTGTTTCCCCAGCAGCGAC-3'
Protein context (NP_006653.2, residues 1936-1956): IGPRSPGPSH[Pro1946Ser]TFWTYTEAAH